The following is an entry in ClinVar:

NM_004595.5(SMS):c.546G>T (p.Met182Ile)

Gene: SMS (spermine synthase; plus strand). Cytogenetic location: Xp22.11.
Variant type: single nucleotide variant.
Coding change: c.546G>T on transcript NM_004595.5 (MANE Select); coding-DNA position 546, G replaced by T.
Protein change: p.Met182Ile; replaces methionine 182 with isoleucine.
Molecular consequence: missense variant.
Genome position (GRCh38, 1-based): chrX:21,978,000, G>T. VCF-style: chrX-21978000-G-T. GRCh37 (hg19) VCF-style: chrX-21996118-G-T.
Other names: c.387G>T, p.Met129Ile (NM_001258423.2); short protein forms M182I, M129I.
Identifiers: ClinVar variation 4998872 (VCV004998872.1).
Genomic context (GRCh38, chrX:21,978,000, plus strand): 5'-GATCTGTTTCTCCTCCCTAGATTTGGCAGAGAGTGATTTGGCATATACCCGGGCCATCAT[G>T]GGCAGTGGCAAAGAAGATTACACTGGCAAAGATGTACTCATTCTGGGAGGTGGAGACGGA-3'
Protein context (NP_004586.2, residues 172-192): ESDLAYTRAI[Met182Ile]GSGKEDYTGK

ClinVar aggregate classification (germline): Uncertain significance (1 of 4 stars; one submission).

Conditions:
SMS-related disorder. Also called: SMS-related condition.

Submission:

PreventionGenetics, part of Exact Sciences
Classification: Uncertain significance for SMS-related condition. Last evaluated: 2025-01-06. Review status: criteria provided, single submitter. Criteria: ACMG Guidelines, 2015. Collection method: clinical testing. Allele origin: germline.
Comment: The SMS c.546G>T variant is predicted to result in the amino acid substitution p.Met182Ile. To our knowledge, this variant has not been reported in the literature or in a large population database (gnomAD), indicating this variant is rare. At this time, the clinical significance of this variant is uncertain due to the absence of conclusive functional and genetic evidence.